The following is an entry in ClinVar:

NM_001127222.2(CACNA1A):c.2660A>T (p.Gln887Leu)

Gene: CACNA1A (calcium voltage-gated channel subunit alpha1 A; minus strand). Cytogenetic location: 19p13.13.
Variant type: single nucleotide variant.
Coding change: c.2660A>T on transcript NM_001127222.2 (MANE Select); coding-DNA position 2660, A replaced by T.
Protein change: p.Gln887Leu; replaces glutamine 887 with leucine.
Molecular consequence: missense variant.
Genome position (GRCh38, 1-based): chr19:13,298,973, T>A on the plus strand (A>T on the coding strand, the complement: CACNA1A is on the minus strand). VCF-style: chr19-13298973-T-A. GRCh37 (hg19) VCF-style: chr19-13409787-T-A.
Other names: c.2672A>T, p.Gln891Leu (NM_000068.4, NM_023035.3); c.2663A>T, p.Gln888Leu (NM_001127221.2, NM_001174080.2); short protein forms Q891L, Q887L, Q888L.
Identifiers: ClinVar variation 4787561 (VCV004787561.1).

ClinVar aggregate classification (germline): Uncertain significance (1 of 4 stars; one submission).

Conditions:
Episodic ataxia type 2 (EA2). Also called: ACETAZOLAMIDE-RESPONSIVE HEREDITARY PAROXYSMAL CEREBELLAR ATAXIA; ATAXIA, EPISODIC, WITH NYSTAGMUS; ATAXIA, FAMILIAL PAROXYSMAL; CEREBELLAR ATAXIA, PAROXYSMAL, ACETAZOLAMIDE-RESPONSIVE; CEREBELLOPATHY, HEREDITARY PAROXYSMAL; EPISODIC ATAXIA, NYSTAGMUS-ASSOCIATED. Identifiers: Orphanet 97, MedGen C1720416, MONDO:0007163, OMIM 108500.
Developmental and epileptic encephalopathy, 42 (DEE42A). Also called: Epileptic encephalopathy, early infantile, 42; DEVELOPMENTAL AND EPILEPTIC ENCEPHALOPATHY 42A; EPILEPTIC ENCEPHALOPATHY, EARLY INFANTILE, 42A. Identifiers: MedGen C4310716, MONDO:0014917, OMIM 617106.

Submission:

Labcorp Genetics (formerly Invitae), Labcorp
Classification: Uncertain significance for Developmental and epileptic encephalopathy, 42; Episodic ataxia type 2. Last evaluated: 2025-11-09. Review status: criteria provided, single submitter. Criteria: Invitae Variant Classification Sherloc (09022015). Collection method: clinical testing. Allele origin: germline.
Comment: This sequence change replaces glutamine, which is neutral and polar, with leucine, which is neutral and non-polar, at codon 888 of the CACNA1A protein (p.Gln888Leu). This variant is not present in population databases (gnomAD no frequency). This missense change has been observed in individual(s) with seizures (PMID: 29720203). Invitae Evidence Modeling of protein sequence and biophysical properties (such as structural, functional, and spatial information, amino acid conservation, physicochemical variation, residue mobility, and thermodynamic stability) indicates that this missense variant is not expected to disrupt CACNA1A protein function with a negative predictive value of 95%. In summary, the available evidence is currently insufficient to determine the role of this variant in disease. Therefore, it has been classified as a Variant of Uncertain Significance.

Literature cited by the submitters: PubMed 29720203.